The following is an entry in ClinVar:

NM_017514.5(PLXNA3):c.692T>G (p.Val231Gly)

Gene: PLXNA3 (plexin A3; plus strand). Cytogenetic location: Xq28.
Variant type: single nucleotide variant.
Coding change: c.692T>G on transcript NM_017514.5 (MANE Select); coding-DNA position 692, T replaced by G.
Protein change: p.Val231Gly; replaces valine 231 with glycine.
Molecular consequence: missense variant.
Genome position (GRCh38, 1-based): chrX:154,461,196, T>G. VCF-style: chrX-154461196-T-G. GRCh37 (hg19) VCF-style: chrX-153689536-T-G.
Other names: short protein forms V231G.
Identifiers: ClinVar variation 3215573 (VCV003215573.3), dbSNP rs782060714, ClinGen allele CA337311589.
Genomic context (GRCh38, chrX:154,461,196, plus strand): 5'-TCCCCTCAGACACGCTGTCCTTGTACCCTGCCTTTGACATCTACTACATCTACGGCTTCG[T>G]CAGCGCCTCCTTCGTGTACTTCCTGACGCTGCAGCTGGACACCCAGCAGACGCTGTTGGA-3'
Protein context (NP_059984.3, residues 221-241): AFDIYYIYGF[Val231Gly]SASFVYFLTL

ClinVar aggregate classification (germline): Uncertain significance. Review status: criteria provided, multiple submitters, no conflicts (2 of 4 stars). 2 submissions from 2 submitters: Uncertain significance (2). Last evaluated 2025-08-14.

Conditions:
PLXNA3-related disorder. Also called: PLXNA3-related condition.

Allele frequency attached by ClinVar (database versions not stated): gnomAD exomes 0.00002; gnomAD 0.00003; TOPMed 0.00003.
gnomAD v4.1: 23 of 1,211,411 alleles (0.0019%); highest among the groups gnomAD compares: Non-Finnish European, 0.0026%; no homozygotes.

Submissions (2):

PreventionGenetics, part of Exact Sciences
Classification: Uncertain significance for PLXNA3-related condition. Last evaluated: 2025-08-14. Review status: criteria provided, single submitter. Criteria: ACMG Guidelines, 2015. Collection method: clinical testing. Allele origin: germline.
Comment: The PLXNA3 c.692T>G variant is predicted to result in the amino acid substitution p.Val231Gly. To our knowledge, this variant has not been reported in the literature. This variant is reported in 0.0022% of alleles in individuals of European (non-Finnish) descent in gnomAD. At this time, the clinical significance of this variant is uncertain due to the absence of conclusive functional and genetic evidence.

Ambry Genetics
Classification: Uncertain significance. Last evaluated: 2024-02-06. Review status: criteria provided, single submitter. Criteria: Ambry Variant Classification Scheme 2023. Collection method: clinical testing. Allele origin: germline.